The following is an entry in ClinVar:

NM_145178.4(ATOH7):c.270G>A (p.Met90Ile)

Gene: ATOH7 (atonal bHLH transcription factor 7; minus strand). Cytogenetic location: 10q21.3.
Variant type: single nucleotide variant.
Coding change: c.270G>A on transcript NM_145178.4 (MANE Select); coding-DNA position 270, G replaced by A.
Protein change: p.Met90Ile; replaces methionine 90 with isoleucine.
Molecular consequence: missense variant.
Genome position (GRCh38, 1-based): chr10:68,231,408, C>T on the plus strand (G>A on the coding strand, the complement: ATOH7 is on the minus strand). VCF-style: chr10-68231408-C-T. GRCh37 (hg19) VCF-style: chr10-69991165-C-T.
Other names: short protein forms M90I.
Identifiers: ClinVar variation 1015485 (VCV001015485.7), dbSNP rs1464817507, ClinGen allele CA376835805.

ClinVar aggregate classification (germline): Uncertain significance (1 of 4 stars; one submission).

Allele frequency attached by ClinVar (database versions not stated): gnomAD 0.00001; TOPMed 0.00002.

Submission:

Labcorp Genetics (formerly Invitae), Labcorp
Classification: Uncertain significance. Last evaluated: 2022-11-01. Review status: criteria provided, single submitter. Criteria: Invitae Variant Classification Sherloc (09022015). Collection method: clinical testing. Allele origin: germline.
Comment: In summary, the available evidence is currently insufficient to determine the role of this variant in disease. Therefore, it has been classified as a Variant of Uncertain Significance. Algorithms developed to predict the effect of missense changes on protein structure and function (SIFT, PolyPhen-2, Align-GVGD) all suggest that this variant is likely to be tolerated. ClinVar contains an entry for this variant (Variation ID: 1015485). This variant has not been reported in the literature in individuals affected with ATOH7-related conditions. This variant is present in population databases (no rsID available, gnomAD 0.007%). This sequence change replaces methionine, which is neutral and non-polar, with isoleucine, which is neutral and non-polar, at codon 90 of the ATOH7 protein (p.Met90Ile).